The following is an entry in ClinVar:

ClinVar aggregate classification (germline): Uncertain significance (1 of 4 stars; one submission).

Conditions:
Hereditary spastic paraplegia 73. Also called: Spastic paraplegia 73, autosomal dominant. Identifiers: Orphanet 444099, MedGen C5568981, MONDO:0014568, OMIM 616282.

gnomAD v4.1: 11 of 1,614,164 alleles (0.00068%); highest among the groups gnomAD compares: Non-Finnish European, 0.00093%; no homozygotes.

Submission:

Labcorp Genetics (formerly Invitae), Labcorp
Classification: Uncertain significance for Hereditary spastic paraplegia 73. Last evaluated: 2024-10-08. Review status: criteria provided, single submitter. Criteria: Invitae Variant Classification Sherloc (09022015). Collection method: clinical testing. Allele origin: germline.
Comment: This sequence change replaces serine, which is neutral and polar, with phenylalanine, which is neutral and non-polar, at codon 538 of the CPT1C protein (p.Ser538Phe). This variant is present in population databases (no rsID available, gnomAD 0.0009%). This variant has not been reported in the literature in individuals affected with CPT1C-related conditions. Invitae Evidence Modeling of protein sequence and biophysical properties (such as structural, functional, and spatial information, amino acid conservation, physicochemical variation, residue mobility, and thermodynamic stability) indicates that this missense variant is not expected to disrupt CPT1C protein function with a negative predictive value of 80%. In summary, the available evidence is currently insufficient to determine the role of this variant in disease. Therefore, it has been classified as a Variant of Uncertain Significance.

NM_001199753.2(CPT1C):c.1646C>T (p.Ser549Phe)

Gene: CPT1C (carnitine palmitoyltransferase 1C; plus strand). Cytogenetic location: 19q13.33.
Variant type: single nucleotide variant.
Coding change: c.1646C>T on transcript NM_001199753.2 (MANE Select); coding-DNA position 1646, C replaced by T.
Protein change: p.Ser549Phe; replaces serine 549 with phenylalanine.
Molecular consequence: missense variant. On other transcripts: non-coding transcript variant (1).
Genome position (GRCh38, 1-based): chr19:49,710,399, C>T. VCF-style: chr19-49710399-C-T. GRCh37 (hg19) VCF-style: chr19-50213656-C-T.
Other names: c.1613C>T, p.Ser538Phe (NM_001136052.3, NM_001378485.1, NM_001378487.1); c.1646C>T, p.Ser549Phe (NM_001199752.3, NM_001378483.1, NM_001378484.1 and 3 more transcripts); c.1712C>T, p.Ser571Phe (NM_001378482.1); short protein forms S571F, S549F, S538F.
Identifiers: ClinVar variation 3720632 (VCV003720632.2).